The following is an entry in ClinVar:

NM_138694.4(PKHD1):c.1602G>A (p.Leu534=)

Gene: PKHD1 (PKHD1 ciliary IPT domain containing fibrocystin/polyductin; minus strand). Cytogenetic location: 6p12.2.
Variant type: single nucleotide variant.
Coding change: c.1602G>A on transcript NM_138694.4 (MANE Select); coding-DNA position 1602, G replaced by A.
Protein change: p.Leu534=; no amino-acid change (leucine 534 retained).
Molecular consequence: synonymous variant.
Genome position (GRCh38, 1-based): chr6:52,056,890, C>T on the plus strand (G>A on the coding strand, the complement: PKHD1 is on the minus strand). VCF-style: chr6-52056890-C-T. GRCh37 (hg19) VCF-style: chr6-51921688-C-T.
Other names: c.1602G>A, p.Leu534= (NM_170724.3).
Identifiers: ClinVar variation 4536992 (VCV004536992.1).

ClinVar aggregate classification (germline): Uncertain significance (1 of 4 stars; one submission).

Submission:

Women's Health and Genetics/Laboratory Corporation of America, LabCorp
Classification: Uncertain significance. Last evaluated: 2025-11-06. Review status: criteria provided, single submitter. Criteria: LabCorp Variant Classification Summary - May 2015. Collection method: clinical testing. Allele origin: germline.
Comment: Variant summary: PKHD1 c.1602G>A (p.Leu534Leu) alters a conserved nucleotide located close to a canonical splice site and therefore could affect mRNA splicing, leading to a significantly altered protein sequence. Several computational tools predict a significant impact on normal splicing: Three predict the variant abolishes a 5' splicing donor site. However, these predictions have yet to be confirmed by functional studies. The variant was absent in 251170 control chromosomes. The available data on variant occurrences in the general population are insufficient to allow any conclusion about variant significance. To our knowledge, no occurrence of c.1602G>A in individuals affected with PKHD1-related conditions and no experimental evidence demonstrating its impact on protein function have been reported. No submitters have cited clinical-significance assessments for this variant to ClinVar. Based on the evidence outlined above, the variant was classified as uncertain significance.